The following is an entry in ClinVar:

ClinVar aggregate classification (germline): Pathogenic. Review status: criteria provided, multiple submitters, no conflicts (2 of 4 stars). 16 submissions from 16 submitters: Pathogenic (12). 4 of the submissions do not count toward it. Last evaluated 2026-01-21.

Conditions:
Cardiovascular phenotype. Identifiers: MedGen CN230736.
Cardiac arrhythmia. Also called: Arrhythmia; Cardiac rhythm disease. Identifiers: MedGen C0003811, MONDO:0007263, HP:0011675.
KCNQ1-related disorder. Also called: KCNQ1-related condition; KCNQ1-related disorders. Identifiers: MedGen CN239322.
Familial long QT syndrome (RWS). Also called: Congenital long QT syndrome; Romano-Ward syndrome; VENTRICULAR FIBRILLATION WITH PROLONGED QT INTERVAL. Identifiers: Orphanet 768, MedGen C1141890, MONDO:0019171.
Long QT syndrome (LQTS). Identifiers: MedGen C0023976, MeSH D008133, MONDO:0002442. Disease mechanism: loss of function. Inheritance: Various modes of inheritance.
Long QT syndrome 1 (LQT1). Identifiers: Orphanet 101016, Orphanet 768, MedGen C4551647, MONDO:0100316, OMIM 192500, MONDO:0008646.

Allele frequency attached by ClinVar (database versions not stated): gnomAD 0.00001; gnomAD exomes 0.00001; TOPMed 0.00002; ESP Exome Variant Server 0.00008.
gnomAD v4.1: 11 of 1,612,422 alleles (0.00068%); highest among the groups gnomAD compares: African/African-American, 0.0027%; no homozygotes.

Submissions 1 to 8 of 16:

Labcorp Genetics (formerly Invitae), Labcorp
Classification: Pathogenic for Long QT syndrome. Last evaluated: 2026-01-21. Review status: criteria provided, single submitter. Criteria: Invitae Variant Classification Sherloc (09022015). Collection method: clinical testing. Allele origin: germline.
Comment: This sequence change replaces glycine, which is neutral and non-polar, with serine, which is neutral and polar, at codon 179 of the KCNQ1 protein (p.Gly179Ser). This variant is not present in population databases (gnomAD no frequency). This missense change has been observed in individuals with long QT syndrome (PMID: 10973849, 15051636, 23392653, 27041150, 27831900, 28944242). It has also been observed to segregate with disease in related individuals. ClinVar contains an entry for this variant (Variation ID: 53063). Invitae Evidence Modeling of protein sequence and biophysical properties (such as structural, functional, and spatial information, amino acid conservation, physicochemical variation, residue mobility, and thermodynamic stability) has been performed for this missense variant. However, the output from this modeling did not meet the statistical confidence thresholds required to predict the impact of this variant on KCNQ1 protein function. Experimental studies have shown that this missense change affects KCNQ1 function (PMID: 15051636, 29532034). For these reasons, this variant has been classified as Pathogenic.

Genomic Medicine Center of Excellence, King Faisal Specialist Hospital and Research Centre
Classification: Pathogenic for Long QT syndrome 1. Last evaluated: 2025-09-10. Review status: criteria provided, single submitter. Criteria: ACMG Guidelines, 2015. Collection method: clinical testing. Allele origin: germline.

CeGaT Center for Human Genetics Tuebingen
Classification: Pathogenic. Last evaluated: 2024-12-01. Review status: criteria provided, single submitter. Criteria: CeGaT Center For Human Genetics Tuebingen Variant Classification Criteria Version 2. Collection method: clinical testing. Allele origin: germline. Affected: yes. Observed: 6 variant alleles.
Comment: KCNQ1: PP1:Strong, PM1, PM2, PM5, PS4:Moderate, PS3:Supporting

Ambry Genetics
Classification: Pathogenic for Cardiovascular phenotype. Last evaluated: 2024-11-12. Review status: criteria provided, single submitter. Criteria: Ambry Variant Classification Scheme 2023. Collection method: clinical testing. Allele origin: germline.
Comment: The p.G179S pathogenic mutation (also known as c.535G>A), located in coding exon 3 of the KCNQ1 gene, results from a G to A substitution at nucleotide position 535. The glycine at codon 179 is replaced by serine, an amino acid with similar properties. This alteration has been detected in the heterozygous, homozygous, and compound heterozygous state in numerous unrelated individuals with long QT syndrome (LQTS) (Splawski I, Circulation 2000 Sep; 102(10):1178-85; Kapplinger JD, Heart Rhythm 2009 Sep; 6(9):1297-303; Anderson HN, Pediatr Cardiol 2015 Oct; 36(7):1350-6; Fernandes M et al. Rev Port Cardiol, 2015 May;34:359.e1-5; Natarajan P et al. Sci Transl Med, 2016 11;8:364ra151; Al-Hassnan ZN et al. Heart Rhythm, 2017 08;14:1191-1199). The alteration has been reported to segregate with disease in multiple families, with homozygous and compound heterozygous individuals typically displaying more pronounced prolongation of the QT interval compared with heterozygous relatives (Westenskow P et al. Circulation, 2004 Apr;109:1834-41; Giudicessi JR et al. Circ Cardiovasc Genet, 2013 Apr;6:193-200; Vyas B et al. Am. J. Med. Genet. A, 2016 06;170:1510-9; Bdier AY et al. Mol Genet Genomic Med, 2017 Sep;5:592-601). Several functional studies indicate that this alteration results in a trafficking defect and reduced potassium current in heterologous expression systems (Westenskow P et al. Circulation, 2004 Apr;109:1834-41; Huang H et al. Sci Adv, 2018 03;4:eaar2631). This variant is considered to be rare based on population cohorts in the Genome Aggregation Database (gnomAD). In addition, this alteration is predicted to be deleterious by in silico analysis. Based on the supporting evidence, this alteration is interpreted as a disease-causing mutation.

All of Us Research Program, National Institutes of Health
Classification: Pathogenic for Long QT syndrome. Last evaluated: 2024-07-29. Review status: criteria provided, single submitter. Criteria: ACMG Guidelines, 2015. Collection method: clinical testing. Allele origin: germline. Inheritance: Autosomal dominant inheritance. Observed: 6 variant alleles, 6 heterozygotes.
Comment: The c.535G>A (p.Gly179Ser) variant in the KCNQ1 gene has been identified in heterozygous status in at least eight individuals affected with Long QT syndrome (LQTS) (PMID:10973849, 25845942, 27831900, 28438721, 19716085, 26318259, 26669661). This variant has also been reported in bi-allelic status in several (thirteen) families affected with Long QT syndrome (PMID: 27485560, 27041150,15051636, 28944242, 28438721, 28606196, 29684900, 23392653, 29033053), and found to segregate with disease in at least three families (PMID: 28944242, 28438721, 15051636). Homozygous and compound heterozygous individuals typically display more pronounced prolongation of the QT interval compared with heterozygous relatives who are often clinically asymptomatic or with modestly prolonged QT interval, suggesting incomplete penetrance and variable expressivity for the autosomal dominant form of LQTS associated with this variant. In vitro functional studies on HEK293 cells and X. laevis oocytes have shown that this variant exerts dominant negative effect on wild type protein and reduce cell surface expression, trafficking defects and severely low channel current (PMID: 29532034, 15051636). In-silico computational prediction tools suggest that the p.Gly179Ser variant may have deleterious effect on the protein function (REVEL score: 0.931). This variant is found to be absent in the general population database (gnomAD) and interpreted as pathogenic by several submitters in the ClinVar database (ClinVar ID: 53063). Other missense substitutions affecting the same codon (p.Gly179Ala, p.Gly179Arg) have been interpreted as likely pathogenic by two ClinVar submitters (ClinVar ID: 2446426, 378906). Therefore, the c.535G>A (p.Gly179Ser) variant in the KCNQ1 gene is classified as pathogenic.

This study involves interpretation of variants in research participants for the purpose of population health screening. Participant phenotype was not available at the time of variant classification. Additional details can be found in publication PMID: 35346344, PMCID: PMC8962531

Color Diagnostics, LLC DBA Color Health
Classification: Pathogenic for Cardiac arrhythmia. Last evaluated: 2024-05-10. Review status: criteria provided, single submitter. Criteria: ACMG Guidelines, 2015. Collection method: clinical testing. Allele origin: germline.
Comment: This missense variant replaces glycine with serine at codon 179 of the KCNQ1 protein. This variant is found within the highly conserved cytoplasmic linker region (a.a. 169-196). Rare non-truncating variants in this region have been shown to be significantly overrepresented in individuals with long QT syndrome (PMID: 32893267). Functional studies have shown that this variant causes protein trafficking defect and results in significantly reduced cell surface expression and channel current (PMID: 15051636, 29532034), as well as dominant negative effect on the wild type protein (PMID: 29532034). This variant has been reported in over ten heterozygous and biallelic individuals affected with long QT syndrome (PMID: 10973849, 15051636, 23392653, 25845942, 27041150, 27831900, 28606196, 28438721, 28944242, 29684900, 32893267, 38489124; Color data). Biallelic individuals showed severe long QT syndrome without hearing loss (PMID: 23392653, 27041150, 28944242, 29684900). This variant has been shown to cosegregate with long QT phenotype in multiple families (PMID: 15051636, 23392653, 28438721; Color data). This variant has not been identified in the general population by the Genome Aggregation Database (gnomAD). Based on the available evidence, this variant is classified as Pathogenic.

GeneDx
Classification: Pathogenic. Last evaluated: 2022-12-07. Review status: criteria provided, single submitter. Criteria: GeneDx Variant Classification Process June 2021. Collection method: clinical testing. Allele origin: germline. Affected: yes.
Comment: Not observed at significant frequency in large population cohorts (gnomAD); In silico analysis supports that this missense variant has a deleterious effect on protein structure/function; In vitro functional studies demonstrate loss of function with a trafficking defect and severely reduced cell surface expression (Huang et al., 2018); This variant is associated with the following publications: (PMID: 34505893, 25637381, 15051636, 25845942, 19716085, 23392653, 25935074, 27041150, 28944242, 28438721, 28606196, 29684900, 30571187, 10973849, 27485560, 29021305, 31785541, 31447099, 32383558, 27831900, 29532034)

Revvity Omics, Revvity
Classification: Pathogenic. Last evaluated: 2021-12-13. Review status: criteria provided, single submitter. Criteria: ACMG Guidelines, 2015. Collection method: clinical testing. Allele origin: germline.

NM_000218.3(KCNQ1):c.535G>A (p.Gly179Ser)

Gene: KCNQ1 (potassium voltage-gated channel subfamily Q member 1; plus strand). Cytogenetic location: 11p15.5.
Variant type: single nucleotide variant.
Coding change: c.535G>A on transcript NM_000218.3 (MANE Select); coding-DNA position 535, G replaced by A.
Protein change: p.Gly179Ser; replaces glycine 179 with serine.
Molecular consequence: missense variant.
Genome position (GRCh38, 1-based): chr11:2,570,685, G>A. VCF-style: chr11-2570685-G-A. GRCh37 (hg19) VCF-style: chr11-2591915-G-A.
Other names: c.535G>A (LRG_287t1); c.535G>A, p.Gly179Ser (NM_001406836.1); c.265G>A, p.Gly89Ser (NM_001406837.1); c.154G>A, p.Gly52Ser (NM_181798.2); short protein forms G179S, G52S, G89S.
Identifiers: ClinVar variation 53063 (VCV000053063.84), dbSNP rs199473394, ClinGen allele CA007379.